The following is an entry in ClinVar:

ClinVar aggregate classification (germline): Uncertain significance (1 of 4 stars; one submission).

Conditions:
Wolman disease (WOLD). Also called: Acid cholesteryl ester hydrolase deficiency, Wolman type; Acid lipase disease; LYSOSOMAL ACID LIPASE DEFICIENCY, ACUTE INFANTILE; LYSOSOMAL ACID LIPASE DEFICIENCY, COMPLETE; LIPA DEFICIENCY, COMPLETE; LAL DEFICIENCY, COMPLETE. Identifiers: Orphanet 75233, MedGen C0043208, MONDO:0019148, OMIM 620151.

Submission:

Labcorp Genetics (formerly Invitae), Labcorp
Classification: Uncertain significance for Wolman disease. Last evaluated: 2022-07-19. Review status: criteria provided, single submitter. Criteria: Invitae Variant Classification Sherloc (09022015). Collection method: clinical testing. Allele origin: germline.
Comment: In summary, the available evidence is currently insufficient to determine the role of this variant in disease. Therefore, it has been classified as a Variant of Uncertain Significance. Algorithms developed to predict the effect of sequence changes on RNA splicing suggest that this variant may create or strengthen a splice site. Algorithms developed to predict the effect of missense changes on protein structure and function (SIFT, PolyPhen-2, Align-GVGD) all suggest that this variant is likely to be tolerated. This variant has not been reported in the literature in individuals affected with LIPA-related conditions. This variant is not present in population databases (gnomAD no frequency). This sequence change replaces histidine, which is basic and polar, with glutamine, which is neutral and polar, at codon 68 of the LIPA protein (p.His68Gln).

NM_000235.4(LIPA):c.204T>G (p.His68Gln)

Gene: LIPA (lipase A, lysosomal acid type; minus strand). Cytogenetic location: 10q23.31.
Variant type: single nucleotide variant.
Coding change: c.204T>G on transcript NM_000235.4 (MANE Select); coding-DNA position 204, T replaced by G.
Protein change: p.His68Gln; replaces histidine 68 with glutamine.
Molecular consequence: missense variant. On other transcripts: intron variant (1).
Genome position (GRCh38, 1-based): chr10:89,245,701, A>C on the plus strand (T>G on the coding strand, the complement: LIPA is on the minus strand). VCF-style: chr10-89245701-A-C. GRCh37 (hg19) VCF-style: chr10-91005458-A-C.
Other names: c.204T>G, p.His68Gln (NM_001127605.3); c.-120+6036T>G (NM_001288979.2); short protein forms H68Q.
Identifiers: ClinVar variation 2090327 (VCV002090327.4), dbSNP rs2495640840, ClinGen allele CA377518229.